The following is an entry in ClinVar:

NM_033453.4(ITPA):c.513G>C (p.Glu171Asp)

Gene: ITPA (inosine triphosphatase; plus strand). Cytogenetic location: 20p13.
Variant type: single nucleotide variant.
Coding change: c.513G>C on transcript NM_033453.4 (MANE Select); coding-DNA position 513, G replaced by C.
Protein change: p.Glu171Asp; replaces glutamic acid 171 with aspartic acid.
Molecular consequence: missense variant. On other transcripts: non-coding transcript variant (2), intron variant (1).
Genome position (GRCh38, 1-based): chr20:3,223,390, G>C. VCF-style: chr20-3223390-G-C. GRCh37 (hg19) VCF-style: chr20-3204036-G-C.
Other names: c.390G>C, p.Glu130Asp (NM_001267623.2); c.176G>C, p.Arg59Thr (NM_001324236.2, NM_001324237.2, NM_001324238.2 and 1 more transcripts); c.462G>C, p.Glu154Asp (NM_181493.4); c.412-3293G>C (NM_001324240.2); c.513G>C (NM_033453.2); short protein forms R59T, E171D, E154D, E130D.
Identifiers: ClinVar variation 963397 (VCV000963397.11), dbSNP rs748840853, ClinGen allele CA9741356.

ClinVar aggregate classification (germline): Uncertain significance. Review status: criteria provided, multiple submitters, no conflicts (2 of 4 stars). 5 submissions from 5 submitters: Uncertain significance (5). Last evaluated 2025-11-08.

Conditions:
Inborn genetic diseases. Identifiers: MedGen C0950123, MeSH D030342.
Inosine triphosphatase deficiency. Also called: INOSINE TRIPHOSPHATE PYROPHOSPHOHYDROLASE DEFICIENCY. Identifiers: MedGen C0342800, MONDO:0013461, OMIM 613850.
Developmental and epileptic encephalopathy, 35 (DEE35). Also called: Epileptic encephalopathy, early infantile, 35. Identifiers: Orphanet 457375, MedGen C4225256, MONDO:0014719, OMIM 616647.

Allele frequency attached by ClinVar (database versions not stated): gnomAD exomes 0.00001 and 0.00004; ExAC 0.00002; gnomAD 0.00004 and 0.00006; TOPMed 0.00009.

Submissions (5):

Ambry Genetics
Classification: Uncertain significance for Inborn genetic diseases. Last evaluated: 2025-11-08. Review status: criteria provided, single submitter. Criteria: Ambry Variant Classification Scheme 2023. Collection method: clinical testing. Allele origin: germline.

GeneDx
Classification: Uncertain significance. Last evaluated: 2022-11-13. Review status: criteria provided, single submitter. Criteria: GeneDx Variant Classification Process June 2021. Collection method: clinical testing. Allele origin: germline. Affected: yes.
Comment: In silico analysis supports that this missense variant does not alter protein structure/function; Has not been previously published as pathogenic or benign to our knowledge

Labcorp Genetics (formerly Invitae), Labcorp
Classification: Uncertain significance for Inosine triphosphatase deficiency. Last evaluated: 2022-08-22. Review status: criteria provided, single submitter. Criteria: Invitae Variant Classification Sherloc (09022015). Collection method: clinical testing. Allele origin: germline.
Comment: This sequence change replaces glutamic acid, which is acidic and polar, with aspartic acid, which is acidic and polar, at codon 171 of the ITPA protein (p.Glu171Asp). This variant is present in population databases (rs748840853, gnomAD 0.03%). This variant has not been reported in the literature in individuals affected with ITPA-related conditions. ClinVar contains an entry for this variant (Variation ID: 963397). Algorithms developed to predict the effect of missense changes on protein structure and function (SIFT, PolyPhen-2, Align-GVGD) all suggest that this variant is likely to be tolerated. In summary, the available evidence is currently insufficient to determine the role of this variant in disease. Therefore, it has been classified as a Variant of Uncertain Significance.

New York Genome Center
Classification: Uncertain significance for Developmental and epileptic encephalopathy, 35. Last evaluated: 2020-01-07. Review status: criteria provided, single submitter. Criteria: NYGC Assertion Criteria 2020. Collection method: clinical testing. Allele origin: germline. Observed: 1 heterozygote. Study: CSER-NYCKidSeq.

Breakthrough Genomics
Classification: Uncertain significance. Review status: criteria provided, single submitter. Criteria: ACMG Guidelines, 2015. Collection method: not provided. Allele origin: germline. Inheritance: Autosomal dominant inheritance. Affected: yes.